The following is an entry in ClinVar:

ClinVar aggregate classification (germline): Uncertain significance. Review status: criteria provided, multiple submitters, no conflicts (2 of 4 stars). 2 submissions from 2 submitters: Uncertain significance (2). Last evaluated 2024-08-29.

Conditions:
Cardiovascular phenotype. Identifiers: MedGen CN230736.

Submissions (2):

Blueprint Genetics
Classification: Uncertain significance. Last evaluated: 2024-08-29. Review status: criteria provided, single submitter. Criteria: ACMG Guidelines, 2015. Collection method: clinical testing. Allele origin: germline.

Ambry Genetics
Classification: Uncertain significance for Cardiovascular phenotype. Last evaluated: 2021-06-11. Review status: criteria provided, single submitter. Criteria: Ambry Variant Classification Scheme 2023. Collection method: clinical testing. Allele origin: germline.
Comment: The c.2592delC variant, located in coding exon 15 of the SCN10A gene, results from a deletion of one nucleotide at nucleotide position 2592, causing a translational frameshift with a predicted alternate stop codon (p.I865Yfs*7). This alteration is expected to result in premature protein truncation or nonsense-mediated mRNA decay. However, loss of function of SCN10A has not been clearly established as a mechanism of disease. Since supporting evidence is limited at this time, the clinical significance of this alteration remains unclear.

NM_006514.4(SCN10A):c.2592del (p.Ile865fs)

Gene: SCN10A (sodium voltage-gated channel alpha subunit 10; minus strand). Cytogenetic location: 3p22.2.
Variant type: Deletion.
Coding change: c.2592del on transcript NM_006514.4 (MANE Select); coding-DNA position 2592, one base deleted (C; older notation c.2592delC).
Protein change: p.Ile865fs; shifts the reading frame from isoleucine 865.
Molecular consequence: frameshift variant.
Genome position (GRCh38, 1-based): chr3:38,728,590, G deleted on the plus strand (C on the coding strand, the reverse complement: SCN10A is on the minus strand); the first of 2 consecutive G bases (chr3:38,728,590-38,728,591); deleting either gives the same sequence. VCF-style (leftmost placement, unchanged base first): chr3-38728589-TG-T. GRCh37 (hg19) VCF-style: chr3-38770080-TG-T.
Other names: c.2592del, p.Ile865fs (NM_001293306.2); c.2298del, p.Ile767fs (NM_001293307.2); short protein forms I865fs, I767fs.
Identifiers: ClinVar variation 1793536 (VCV001793536.3), dbSNP rs1316092806, ClinGen allele CA542615824.